The following is an entry in ClinVar:

NM_001378328.1(CELSR1):c.8584G>A (p.Gly2862Ser)

Gene: CELSR1 (cadherin EGF LAG seven-pass G-type receptor 1; minus strand). Cytogenetic location: 22q13.31.
Variant type: single nucleotide variant.
Coding change: c.8584G>A on transcript NM_001378328.1 (MANE Select); coding-DNA position 8584, G replaced by A.
Protein change: p.Gly2862Ser; replaces glycine 2862 with serine.
Molecular consequence: missense variant.
Genome position (GRCh38, 1-based): chr22:46,364,707, C>T on the plus strand (G>A on the coding strand, the complement: CELSR1 is on the minus strand). VCF-style: chr22-46364707-C-T. GRCh37 (hg19) VCF-style: chr22-46760604-C-T.
Other names: c.8584G>A, p.Gly2862Ser (NM_014246.4); short protein forms G2862S.
Identifiers: ClinVar variation 2230509 (VCV002230509.3), dbSNP rs149673677, ClinGen allele CA10292722.

ClinVar aggregate classification (germline): Uncertain significance. Review status: criteria provided, multiple submitters, no conflicts (2 of 4 stars). 2 submissions from 2 submitters: Uncertain significance (2). Last evaluated 2026-04-30.

Conditions:
Lymphatic malformation 9. Identifiers: MedGen C5543365, MONDO:0030270, OMIM 619319.

Allele frequency attached by ClinVar (database versions not stated): 1000 Genomes Project 30x 0.00016; 1000 Genomes Project 0.00020; gnomAD 0.00033; ExAC 0.00034; gnomAD exomes 0.00041; TOPMed 0.00042; ESP Exome Variant Server 0.00046.
gnomAD v4.1: 658 of 1,612,426 alleles (0.041%); highest among the groups gnomAD compares: Middle Eastern, 0.16%; no homozygotes.

Submissions (2):

Clinical Genomics Laboratory, Washington University in St. Louis
Classification: Uncertain significance for Lymphatic malformation 9. Last evaluated: 2026-04-30. Review status: criteria provided, single submitter. Criteria: ACMG Guidelines, 2015. Collection method: clinical testing. Allele origin: germline.
Comment: A CELSR1 c.8584G>A (p.Gly2862Ser) variant was identified at a near heterozygous allelic fraction of 45.9%, a frequency which may be consistent with germline origin. This variant, to our knowledge, has not been reported in the medical literature but has been reported in the ClinVar database as a germline variant of uncertain significance by one submitter (Variation ID: 2230509). It is observed in 658/1,612,426 alleles in the general population (gnomAD v4.1.1). Computational predictors suggest that the variant does not impact CELSR1 function. Due to limited information, and based on ACMG/AMP guidelines for variant interpretation (Richards S et al., PMID: 25741868), the clinical significance of this variant is uncertain at this time.

Ambry Genetics
Classification: Uncertain significance. Last evaluated: 2021-07-20. Review status: criteria provided, single submitter. Criteria: Ambry Variant Classification Scheme 2023. Collection method: clinical testing. Allele origin: germline.